The following is an entry in ClinVar:

NM_003999.3(OSMR):c.189_193delinsT (p.Leu63fs)

Gene: OSMR (oncostatin M receptor; plus strand). Cytogenetic location: 5p13.1.
Variant type: Indel.
Coding change: c.189_193delinsT on transcript NM_003999.3 (MANE Select); coding-DNA positions 189 to 193, GAAAA replaced by T.
Protein change: p.Leu63fs; shifts the reading frame from leucine 63.
Molecular consequence: frameshift variant.
Genome position (GRCh38, 1-based): chr5:38,876,316-38,876,320, GAAAA replaced by T. VCF-style: chr5-38876316-GAAAA-T. GRCh37 (hg19) VCF-style: chr5-38876418-GAAAA-T.
Other names: c.189_193delinsT, p.Leu63fs (NM_001168355.3, NM_001323504.2, NM_001323505.2 and 2 more transcripts); short protein forms L63fs.
Identifiers: ClinVar variation 1703279 (VCV001703279.2), dbSNP rs2546454154, ClinGen allele CA2580073261.

ClinVar aggregate classification (germline): Uncertain significance (1 of 4 stars; one submission).

Submission:

GeneDx
Classification: Uncertain significance. Last evaluated: 2022-02-25. Review status: criteria provided, single submitter. Criteria: GeneDx Variant Classification Process June 2021. Collection method: clinical testing. Allele origin: germline. Affected: yes.
Comment: Not observed at significant frequency in large population cohorts (gnomAD); Frameshift variant predicted to result in protein truncation or nonsense mediated decay in a gene for which loss-of-function is not a known mechanism of disease; Has not been previously published as pathogenic or benign to our knowledge